The following is an entry in ClinVar:

ClinVar aggregate classification (germline): Uncertain significance (1 of 4 stars; one submission).

Submission:

Labcorp Genetics (formerly Invitae), Labcorp
Classification: Uncertain significance. Last evaluated: 2022-11-08. Review status: criteria provided, single submitter. Criteria: Invitae Variant Classification Sherloc (09022015). Collection method: clinical testing. Allele origin: germline.
Comment: This variant has not been reported in the literature in individuals affected with POLE-related conditions. In summary, the available evidence is currently insufficient to determine the role of this variant in disease. Therefore, it has been classified as a Variant of Uncertain Significance. Advanced modeling of protein sequence and biophysical properties (such as structural, functional, and spatial information, amino acid conservation, physicochemical variation, residue mobility, and thermodynamic stability) performed at Invitae indicates that this missense variant is expected to disrupt POLE protein function. This variant is not present in population databases (gnomAD no frequency). This sequence change replaces arginine, which is basic and polar, with proline, which is neutral and non-polar, at codon 762 of the POLE protein (p.Arg762Pro).

NM_006231.4(POLE):c.2285G>C (p.Arg762Pro)

Gene: POLE (DNA polymerase epsilon, catalytic subunit; minus strand). Cytogenetic location: 12q24.33.
Variant type: single nucleotide variant.
Coding change: c.2285G>C on transcript NM_006231.4 (MANE Select); coding-DNA position 2285, G replaced by C.
Protein change: p.Arg762Pro; replaces arginine 762 with proline.
Molecular consequence: missense variant.
Genome position (GRCh38, 1-based): chr12:132,667,537, C>G on the plus strand (G>C on the coding strand, the complement: POLE is on the minus strand). VCF-style: chr12-132667537-C-G. GRCh37 (hg19) VCF-style: chr12-133244123-C-G.
Other names: short protein forms R762P.
Identifiers: ClinVar variation 2812937 (VCV002812937.3), dbSNP rs1023692053, ClinGen allele CA387352141.